The following is an entry in ClinVar:

ClinVar aggregate classification (germline): Uncertain significance (1 of 4 stars; one submission).

Submission:

Women's Health and Genetics/Laboratory Corporation of America, LabCorp
Classification: Uncertain significance. Last evaluated: 2023-09-12. Review status: criteria provided, single submitter. Criteria: LabCorp Variant Classification Summary - May 2015. Collection method: clinical testing. Allele origin: germline.
Comment: Variant summary: MAGEL2 c.3118C>T (p.Pro1040Ser) results in a non-conservative amino acid change located in the MAGE homology domain (IPR002190) of the encoded protein sequence. Three of three in-silico tools predict a damaging effect of the variant on protein function. The variant was absent in 249170 control chromosomes (gnomAD). The available data on variant occurrences in the general population are insufficient to allow any conclusion about variant significance. To our knowledge, no occurrence of c.3118C>T in individuals affected with Schaaf-Yang Syndrome and no experimental evidence demonstrating its impact on protein function have been reported. No submitters have cited clinical-significance assessments for this variant to ClinVar after 2014. Based on the evidence outlined above, the variant was classified as uncertain significance.

NM_019066.5(MAGEL2):c.3118C>T (p.Pro1040Ser)

Gene: MAGEL2 (MAGE family member L2; minus strand). Cytogenetic location: 15q11.2.
Variant type: single nucleotide variant.
Coding change: c.3118C>T on transcript NM_019066.5 (MANE Select); coding-DNA position 3118, C replaced by T.
Protein change: p.Pro1040Ser; replaces proline 1040 with serine.
Molecular consequence: missense variant.
Genome position (GRCh38, 1-based): chr15:23,644,625, G>A on the plus strand (C>T on the coding strand, the complement: MAGEL2 is on the minus strand). VCF-style: chr15-23644625-G-A. GRCh37 (hg19) VCF-style: chr15-23889772-G-A.
Other names: short protein forms P1040S.
Identifiers: ClinVar variation 2627209 (VCV002627209.1), dbSNP rs374261657, ClinGen allele CA391325646.